The following is an entry in ClinVar:

ClinVar aggregate classification (germline): Uncertain significance (1 of 4 stars; one submission).

Conditions:
Combined immunodeficiency due to LRBA deficiency. Also called: Common variable immunodeficiency 8, with autoimmunity. Identifiers: Orphanet 445018, MedGen C3553512, MONDO:0013863, OMIM 614700.

Submission:

Labcorp Genetics (formerly Invitae), Labcorp
Classification: Uncertain significance for Combined immunodeficiency due to LRBA deficiency. Last evaluated: 2021-11-12. Review status: criteria provided, single submitter. Criteria: Invitae Variant Classification Sherloc (09022015). Collection method: clinical testing. Allele origin: germline.
Comment: In summary, the available evidence is currently insufficient to determine the role of this variant in disease. Therefore, it has been classified as a Variant of Uncertain Significance. Algorithms developed to predict the effect of missense changes on protein structure and function are either unavailable or do not agree on the potential impact of this missense change (SIFT: "Tolerated"; PolyPhen-2: "Probably Damaging"; Align-GVGD: "Class C0"). This variant has not been reported in the literature in individuals affected with LRBA-related conditions. This variant is not present in population databases (gnomAD no frequency). This sequence change replaces valine, which is neutral and non-polar, with methionine, which is neutral and non-polar, at codon 811 of the LRBA protein (p.Val811Met).

NM_001364905.1(LRBA):c.2431G>A (p.Val811Met)

Gene: LRBA (LPS responsive beige-like anchor protein; minus strand). Cytogenetic location: 4q31.3.
Variant type: single nucleotide variant.
Coding change: c.2431G>A on transcript NM_001364905.1 (MANE Select); coding-DNA position 2431, G replaced by A.
Protein change: p.Val811Met; replaces valine 811 with methionine.
Molecular consequence: missense variant.
Genome position (GRCh38, 1-based): chr4:150,870,543, C>T on the plus strand (G>A on the coding strand, the complement: LRBA is on the minus strand). VCF-style: chr4-150870543-C-T. GRCh37 (hg19) VCF-style: chr4-151791695-C-T.
Other names: c.2431G>A, p.Val811Met (NM_001199282.3, NM_001367550.1, NM_006726.5); short protein forms V811M.
Identifiers: ClinVar variation 1412022 (VCV001412022.6), dbSNP rs2127000736, ClinGen allele CA358466200.